The following is an entry in ClinVar:

ClinVar aggregate classification (germline): Uncertain significance (1 of 4 stars; one submission).

Submission:

GeneDx
Classification: Uncertain significance. Last evaluated: 2026-03-02. Review status: criteria provided, single submitter. Criteria: GeneDx Variant Classification Process June 2021. Collection method: clinical testing. Allele origin: germline.
Comment: Not observed at significant frequency in large population cohorts (gnomAD); In silico analysis supports that this missense variant has a deleterious effect on protein structure/function; Has not been previously published as pathogenic or benign to our knowledge

NM_002397.5(MEF2C):c.533A>C (p.Gln178Pro)

Gene: MEF2C (myocyte enhancer factor 2C; minus strand). Cytogenetic location: 5q14.3.
Variant type: single nucleotide variant.
Coding change: c.533A>C on transcript NM_002397.5 (MANE Select); coding-DNA position 533, A replaced by C.
Protein change: p.Gln178Pro; replaces glutamine 178 with proline.
Molecular consequence: missense variant.
Genome position (GRCh38, 1-based): chr5:88,751,913, T>G on the plus strand (A>C on the coding strand, the complement: MEF2C is on the minus strand). VCF-style: chr5-88751913-T-G. GRCh37 (hg19) VCF-style: chr5-88047730-T-G.
Other names: c.527A>C, p.Gln176Pro (NM_001131005.2, NM_001364343.2, NM_001364352.2); c.587A>C, p.Gln196Pro (NM_001193347.1, NM_001364338.2); c.389A>C, p.Gln130Pro (NM_001193348.1, NM_001193349.3, NM_001364332.2 and 3 more transcripts); c.533A>C, p.Gln178Pro (NM_001193350.2, NM_001308002.3, NM_001363581.2 and 18 more transcripts); c.155A>C, p.Gln52Pro (NM_001364353.2, NM_001364356.2); c.107A>C, p.Gln36Pro (NM_001364357.2); short protein forms Q178P, Q52P, Q130P, Q176P, Q196P, Q36P.
Identifiers: ClinVar variation 5008397 (VCV005008397.1).